The following is an entry in ClinVar:

NM_001042492.3(NF1):c.6541A>C (p.Ser2181Arg)

Gene: NF1 (neurofibromin 1; plus strand). Cytogenetic location: 17q11.2.
Variant type: single nucleotide variant.
Coding change: c.6541A>C on transcript NM_001042492.3 (MANE Select); coding-DNA position 6541, A replaced by C.
Protein change: p.Ser2181Arg; replaces serine 2181 with arginine.
Molecular consequence: missense variant.
Genome position (GRCh38, 1-based): chr17:31,337,481, A>C. VCF-style: chr17-31337481-A-C. GRCh37 (hg19) VCF-style: chr17-29664499-A-C.
Other names: c.6478A>C, p.Ser2160Arg (NM_000267.4); short protein forms S2160R, S2181R.
Identifiers: ClinVar variation 3237882 (VCV003237882.1), dbSNP rs2151556319.

ClinVar aggregate classification (germline): Uncertain significance (1 of 4 stars; one submission).

Conditions:
Hereditary cancer-predisposing syndrome. Also called: Neoplastic Syndromes, Hereditary; Tumor predisposition; Hereditary neoplastic syndrome; Hereditary Cancer Syndrome. Identifiers: Orphanet 140162, MedGen C0027672, MeSH D009386, MONDO:0015356.
Cardiovascular phenotype. Identifiers: MedGen CN230736.

Submission:

Ambry Genetics
Classification: Uncertain significance for Cardiovascular phenotype; Hereditary cancer-predisposing syndrome. Last evaluated: 2024-02-08. Review status: criteria provided, single submitter. Criteria: Ambry Variant Classification Scheme 2023. Collection method: clinical testing. Allele origin: germline.
Comment: The p.S2160R variant (also known as c.6478A>C), located in coding exon 42 of the NF1 gene, results from an A to C substitution at nucleotide position 6478. The serine at codon 2160 is replaced by arginine, an amino acid with dissimilar properties. This amino acid position is conserved. In addition, the in silico prediction for this alteration is inconclusive. Based on the available evidence, the clinical significance of this alteration remains unclear.